The following is an entry in ClinVar:

NM_000512.5(GALNS):c.412G>A (p.Val138Ile)

Gene: GALNS (galactosamine (N-acetyl)-6-sulfatase; minus strand). Cytogenetic location: 16q24.3.
Variant type: single nucleotide variant.
Coding change: c.412G>A on transcript NM_000512.5 (MANE Select); coding-DNA position 412, G replaced by A.
Protein change: p.Val138Ile; replaces valine 138 with isoleucine.
Molecular consequence: missense variant. On other transcripts: 5 prime UTR variant (1).
Genome position (GRCh38, 1-based): chr16:88,841,002, C>T on the plus strand (G>A on the coding strand, the complement: GALNS is on the minus strand). VCF-style: chr16-88841002-C-T. GRCh37 (hg19) VCF-style: chr16-88907410-C-T.
Other names: p.Val138Ile; c.-144G>A (NM_001323543.2); c.430G>A, p.Val144Ile (NM_001323544.2); c.412G>A (NM_000512.4); short protein forms V138I, V144I.
Identifiers: ClinVar variation 1428872 (VCV001428872.8), dbSNP rs140018158, ClinGen allele CA8235172.

ClinVar aggregate classification (germline): Conflicting classifications of pathogenicity. Review status: criteria provided, conflicting classifications (1 of 4 stars). 3 submissions from 3 submitters: Uncertain significance (2); Likely benign (1). Last evaluated 2026-01-09.

Conditions:
Mucopolysaccharidosis, MPS-IV-A (MPS4A). Also called: Morquio syndrome A, mild; MORQUIO SYNDROME A; GALACTOSAMINE-6-SULFATASE DEFICIENCY; GALNS DEFICIENCY; MORQUIO A DISEASE; Mucopolysaccharidosis type IV A. Identifiers: Orphanet 309297, Orphanet 582, MedGen C0086651, MONDO:0009659, OMIM 253000.

Allele frequency attached by ClinVar (database versions not stated): gnomAD exomes 0.00002 and 0.00006; ExAC 0.00006; 1000 Genomes Project 30x 0.00016; 1000 Genomes Project 0.00020; ESP Exome Variant Server 0.00023; gnomAD 0.00027 and 0.00029; TOPMed 0.00037.
gnomAD v4.1: 80 of 1,613,112 alleles (0.005%); highest among the groups gnomAD compares: African/African-American, 0.093%; no homozygotes.

Submissions (3):

Labcorp Genetics (formerly Invitae), Labcorp
Classification: Likely benign for Mucopolysaccharidosis, MPS-IV-A. Last evaluated: 2026-01-09. Review status: criteria provided, single submitter. Criteria: Invitae Variant Classification Sherloc (09022015). Collection method: clinical testing. Allele origin: germline.

GeneDx
Classification: Uncertain significance. Last evaluated: 2025-06-04. Review status: criteria provided, single submitter. Criteria: GeneDx Variant Classification Process June 2021. Collection method: clinical testing. Allele origin: germline. Affected: yes.
Comment: In silico analysis suggests that this missense variant does not alter protein structure/function; Has not been previously published as pathogenic or benign to our knowledge

Mayo Clinic Laboratories, Mayo Clinic
Classification: Uncertain significance. Last evaluated: 2024-01-05. Review status: criteria provided, single submitter. Criteria: ACMG Guidelines, 2015. Collection method: clinical testing. Allele origin: germline. Observed: 1 variant allele.
Comment: PM2_moderate, PM5

Literature cited by the submitters: PubMed 34387910 (cited by Mayo Clinic Laboratories, Mayo Clinic); PubMed 7795586 (cited by Mayo Clinic Laboratories, Mayo Clinic).